The following is an entry in ClinVar:

ClinVar aggregate classification (germline): Likely benign. Review status: criteria provided, multiple submitters, no conflicts (2 of 4 stars). 5 submissions from 5 submitters: Likely benign (5). Last evaluated 2025-05-25.

Conditions:
Familial thoracic aortic aneurysm and aortic dissection (TAAD). Also called: Thoracic aortic aneurysms and dissections. Identifiers: Orphanet 91387, MedGen C4707243, MONDO:0019625.
Ehlers-Danlos syndrome, type 4 (EDSVASC). Also called: Ehlers-Danlos Syndrome Type IV; Ehlers-Danlos syndrome vascular type; Ehlers Danlos syndrome, ecchymotic type; Ehlers Danlos syndrome, arterial type; Ehlers Danlos syndrome, Sack-Barabas type. Identifiers: Orphanet 286, MedGen C0268338, MONDO:0017314, OMIM 130050.

gnomAD v4.1: 3 of 1,606,292 alleles (0.00019%); highest among the groups gnomAD compares: South Asian, 0.0011%; no homozygotes.

Submissions (5):

Labcorp Genetics (formerly Invitae), Labcorp
Classification: Likely benign for Ehlers-Danlos syndrome, type 4. Last evaluated: 2025-05-25. Review status: criteria provided, single submitter. Criteria: Invitae Variant Classification Sherloc (09022015). Collection method: clinical testing. Allele origin: germline.

Ambry Genetics
Classification: Likely benign for Familial thoracic aortic aneurysm and aortic dissection. Last evaluated: 2025-05-18. Review status: criteria provided, single submitter. Criteria: Ambry Variant Classification Scheme 2023. Collection method: clinical testing. Allele origin: germline.

Blueprint Genetics
Classification: Likely benign. Last evaluated: 2024-06-08. Review status: criteria provided, single submitter. Criteria: ACMG Guidelines, 2015. Collection method: clinical testing. Allele origin: germline.

All of Us Research Program, National Institutes of Health
Classification: Likely benign for Ehlers-Danlos syndrome, type 4. Last evaluated: 2023-05-31. Review status: criteria provided, single submitter. Criteria: ACMG Guidelines, 2015. Collection method: clinical testing. Allele origin: germline. Inheritance: Autosomal dominant inheritance. Observed: 1 variant allele, 1 heterozygote.
Comment: This study involves interpretation of variants in research participants for the purpose of population health screening. Participant phenotype was not available at the time of variant classification. Additional details can be found in publication PMID: 35346344, PMCID: PMC8962531

Color Diagnostics, LLC DBA Color Health
Classification: Likely benign for Familial thoracic aortic aneurysm and aortic dissection. Last evaluated: 2019-04-20. Review status: criteria provided, single submitter. Criteria: ACMG Guidelines, 2015. Collection method: clinical testing. Allele origin: germline.

NM_000090.4(COL3A1):c.2844G>A (p.Gly948=)

Gene: COL3A1 (collagen type III alpha 1 chain; plus strand). Cytogenetic location: 2q32.2.
Variant type: single nucleotide variant.
Coding change: c.2844G>A on transcript NM_000090.4 (MANE Select); coding-DNA position 2844, G replaced by A.
Protein change: p.Gly948=; no amino-acid change (glycine 948 retained).
Molecular consequence: synonymous variant.
Genome position (GRCh38, 1-based): chr2:189,004,277, G>A. VCF-style: chr2-189004277-G-A. GRCh37 (hg19) VCF-style: chr2-189869003-G-A.
Identifiers: ClinVar variation 921172 (VCV000921172.14), dbSNP rs1688537796, ClinGen allele CA430312200.